The following is an entry in ClinVar:

NM_013382.7(POMT2):c.1885G>A (p.Val629Ile)

Gene: POMT2 (protein O-mannosyltransferase 2; minus strand). Cytogenetic location: 14q24.3.
Variant type: single nucleotide variant.
Coding change: c.1885G>A on transcript NM_013382.7 (MANE Select); coding-DNA position 1885, G replaced by A.
Protein change: p.Val629Ile; replaces valine 629 with isoleucine.
Molecular consequence: missense variant.
Genome position (GRCh38, 1-based): chr14:77,279,829, C>T on the plus strand (G>A on the coding strand, the complement: POMT2 is on the minus strand). VCF-style: chr14-77279829-C-T. GRCh37 (hg19) VCF-style: chr14-77746172-C-T.
Other names: short protein forms V629I.
Identifiers: ClinVar variation 1395561 (VCV001395561.1), dbSNP rs777708372, ClinGen allele CA7285664.
Genomic context (GRCh38, chr14:77,279,829, plus strand): 5'-TGCAGGTGCCCTGCTGCCGCCAGGTCAGGGGAGGGAGAGCCCAGAGGACCTGACCTGCAA[C>T]CTCCGCTGGCAGCCGTGCCCCTCTCTGCATGGCTACAGCAATGATGCTCCCTGAGAGGAG-3'
Protein context (NP_037514.2, residues 619-639): MQRGARLPAE[Val629Ile]AGLSQVLLRG

ClinVar aggregate classification (germline): Uncertain significance (1 of 4 stars; one submission).

Conditions:
Muscular dystrophy-dystroglycanopathy (congenital with brain and eye anomalies), type A2. Also called: MUSCULAR DYSTROPHY-DYSTROGLYCANOPATHY (CONGENITAL WITH BRAIN AND EYE ANOMALIES), TYPE A, 2; WALKER-WARBURG SYNDROME OR MUSCLE-EYE-BRAIN DISEASE, POMT2-RELATED. Identifiers: Orphanet 588, Orphanet 899, MedGen C3150411, MONDO:0013154, OMIM 613150.
Autosomal recessive limb-girdle muscular dystrophy type 2N. Also called: MUSCULAR DYSTROPHY-DYSTROGLYCANOPATHY, LIMB-GIRDLE, POMT2-RELATED; Muscular dystrophy-dystroglycanopathy (limb-girdle), type C, 2. Identifiers: Orphanet 206559, MedGen C3150418, MONDO:0013162, OMIM 613158.
Muscular dystrophy-dystroglycanopathy (congenital with impaired intellectual development), type B, 2. Also called: MUSCULAR DYSTROPHY, CONGENITAL, POMT2-RELATED; Muscular dystrophy-dystroglycanopathy (congenital with intellectual disability), type B2. Identifiers: MedGen C3150416, MONDO:0013160, OMIM 613156.

gnomAD v4.1: 2 of 1,613,310 alleles (0.00012%); highest among the groups gnomAD compares: Non-Finnish European, 0.00017%; no homozygotes.

Submission:

Labcorp Genetics (formerly Invitae), Labcorp
Classification: Uncertain significance for Muscular dystrophy-dystroglycanopathy (congenital with impaired intellectual development), type B, 2; Muscular dystrophy-dystroglycanopathy (congenital with brain and eye anomalies), type A2; Autosomal recessive limb-girdle muscular dystrophy type 2N. Last evaluated: 2021-11-28. Review status: criteria provided, single submitter. Criteria: Invitae Variant Classification Sherloc (09022015). Collection method: clinical testing. Allele origin: germline.
Comment: This sequence change replaces valine, which is neutral and non-polar, with isoleucine, which is neutral and non-polar, at codon 629 of the POMT2 protein (p.Val629Ile). This variant is present in population databases (rs777708372, gnomAD 0.0009%). This variant has not been reported in the literature in individuals affected with POMT2-related conditions. Algorithms developed to predict the effect of missense changes on protein structure and function (SIFT, PolyPhen-2, Align-GVGD) all suggest that this variant is likely to be tolerated. In summary, the available evidence is currently insufficient to determine the role of this variant in disease. Therefore, it has been classified as a Variant of Uncertain Significance.